The following is an entry in ClinVar:

NM_000110.4(DPYD):c.656A>G (p.Lys219Arg)

Gene: DPYD (dihydropyrimidine dehydrogenase; minus strand). Cytogenetic location: 1p21.3.
Variant type: single nucleotide variant.
Coding change: c.656A>G on transcript NM_000110.4 (MANE Select); coding-DNA position 656, A replaced by G.
Protein change: p.Lys219Arg; replaces lysine 219 with arginine.
Molecular consequence: missense variant.
Genome position (GRCh38, 1-based): chr1:97,699,375, T>C on the plus strand (A>G on the coding strand, the complement: DPYD is on the minus strand). VCF-style: chr1-97699375-T-C. GRCh37 (hg19) VCF-style: chr1-98164931-T-C.
Other names: short protein forms K219R.
Identifiers: ClinVar variation 4901951 (VCV004901951.2).
Genomic context (GRCh38, chr1:97,699,375, plus strand): 5'-CTGACACTATAAACATGAAATAAATGTAGGCATTACCTTAAACCACCAACATATTCTTGT[T>C]TTTCAAATATAGTGATGTCAGAGTACCCCAATCGAGCCAAAAAGGAAGCACAACTTATAC-3'
Protein context (NP_000101.2, residues 209-229): LGYSDITIFE[Lys219Arg]QEYVGGLSTS

ClinVar aggregate classification (germline): Uncertain significance. Review status: criteria provided, multiple submitters, no conflicts (2 of 4 stars). 2 submissions from 2 submitters: Uncertain significance (2). Last evaluated 2026-04-09.

Conditions:
Dihydropyrimidine dehydrogenase deficiency (DPYDD). Also called: DPD DEFICIENCY; DPYD DEFICIENCY; Hereditary Thymine-Uraciluria. Identifiers: Orphanet 1675, MedGen C1959620, MONDO:0010130, OMIM 274270.

gnomAD v4.1: 40 of 1,613,498 alleles (0.0025%); highest among the groups gnomAD compares: Non-Finnish European, 0.0033%; no homozygotes.

Submissions (2):

Myriad Genetics, Inc.
Classification: Uncertain significance for Dihydropyrimidine dehydrogenase deficiency. Last evaluated: 2026-04-09. Review status: criteria provided, single submitter. Criteria: Myriad Autosomal Dominant, Autosomal Recessive and X-Linked Classification Criteria (2023). Collection method: clinical testing. Allele origin: unknown.
Comment: NM_000110.3(DPYD):c.656A>G(K219R) is a missense variant classified as a variant of uncertain significance in the context of dihydropyrimidine dehydrogenase deficiency. K219R has not been observed in cases with relevant disease. Relevant functional assessments of this variant are available in the literature (PMID: 29327356). K219R has been observed in referenced population frequency databases. In summary, there is insufficient evidence to classify NM_000110.3(DPYD):c.656A>G(K219R) as pathogenic or benign. Please note: this variant was assessed in the context of healthy population screening.

Blueprint Genetics
Classification: Uncertain significance. Last evaluated: 2021-10-02. Review status: criteria provided, single submitter. Criteria: ACMG Guidelines, 2015. Collection method: clinical testing. Allele origin: germline.

Literature cited by the submitters: PubMed 29327356 (cited by Myriad Genetics, Inc.).